The following is an entry in ClinVar:

ClinVar aggregate classification (germline): Uncertain significance (1 of 4 stars; one submission).

Submission:

Labcorp Genetics (formerly Invitae), Labcorp
Classification: Uncertain significance. Last evaluated: 2023-12-11. Review status: criteria provided, single submitter. Criteria: Invitae Variant Classification Sherloc (09022015). Collection method: clinical testing. Allele origin: germline.
Comment: This sequence change replaces proline, which is neutral and non-polar, with leucine, which is neutral and non-polar, at codon 976 of the DCHS1 protein (p.Pro976Leu). This variant is not present in population databases (gnomAD no frequency). This variant has not been reported in the literature in individuals affected with DCHS1-related conditions. ClinVar contains an entry for this variant (Variation ID: 1896338). Advanced modeling of protein sequence and biophysical properties (such as structural, functional, and spatial information, amino acid conservation, physicochemical variation, residue mobility, and thermodynamic stability) performed at Invitae indicates that this missense variant is not expected to disrupt DCHS1 protein function with a negative predictive value of 80%. In summary, the available evidence is currently insufficient to determine the role of this variant in disease. Therefore, it has been classified as a Variant of Uncertain Significance.

NM_003737.4(DCHS1):c.2927C>T (p.Pro976Leu)

Gene: DCHS1 (dachsous cadherin-related 1; minus strand). Cytogenetic location: 11p15.4.
Variant type: single nucleotide variant.
Coding change: c.2927C>T on transcript NM_003737.4 (MANE Select); coding-DNA position 2927, C replaced by T.
Protein change: p.Pro976Leu; replaces proline 976 with leucine.
Molecular consequence: missense variant.
Genome position (GRCh38, 1-based): chr11:6,632,585, G>A on the plus strand (C>T on the coding strand, the complement: DCHS1 is on the minus strand). VCF-style: chr11-6632585-G-A. GRCh37 (hg19) VCF-style: chr11-6653816-G-A.
Other names: short protein forms P976L.
Identifiers: ClinVar variation 1896338 (VCV001896338.5), dbSNP rs2134631034, ClinGen allele CA379418194.